The following is an entry in ClinVar:

ClinVar aggregate classification (germline): Conflicting classifications of pathogenicity. Review status: criteria provided, conflicting classifications (1 of 4 stars). 2 submissions from 2 submitters: Uncertain significance (1); Likely benign (1). Last evaluated 2024-09-20.

Conditions:
Coffin-Siris syndrome 6. Identifiers: MedGen C4540499, MONDO:0033492, OMIM 617808.

Submissions (2):

3billion
Classification: Likely benign for Coffin-Siris syndrome 6. Last evaluated: 2024-09-20. Review status: criteria provided, single submitter. Criteria: ACMG Guidelines, 2015. Collection method: clinical testing. Allele origin: germline. Affected: no.
Comment: The variant was identified in at least one patient who was diagnosed with a different variant in another gene and showed no symptoms related to the gene containing the variant in question.

GeneDx
Classification: Uncertain significance. Last evaluated: 2023-05-15. Review status: criteria provided, single submitter. Criteria: GeneDx Variant Classification Process June 2021. Collection method: clinical testing. Allele origin: germline. Affected: yes.
Comment: Not observed at significant frequency in large population cohorts (gnomAD); In silico analysis supports that this missense variant does not alter protein structure/function; Has not been previously published as pathogenic or benign to our knowledge

NM_152641.4(ARID2):c.3776A>C (p.His1259Pro)

Gene: ARID2 (AT-rich interaction domain 2; plus strand). Cytogenetic location: 12q12.
Variant type: single nucleotide variant.
Coding change: c.3776A>C on transcript NM_152641.4 (MANE Select); coding-DNA position 3776, A replaced by C.
Protein change: p.His1259Pro; replaces histidine 1259 with proline.
Molecular consequence: missense variant.
Genome position (GRCh38, 1-based): chr12:45,851,899, A>C. VCF-style: chr12-45851899-A-C. GRCh37 (hg19) VCF-style: chr12-46245682-A-C.
Other names: c.3776A>C, p.His1259Pro (NM_001347839.2); short protein forms H1259P.
Identifiers: ClinVar variation 2662310 (VCV002662310.2), dbSNP rs2138174491, ClinGen allele CA384488043.